The following is an entry in ClinVar:

ClinVar aggregate classification (germline): association (0 of 4 stars; one submission).

Conditions:
Carcinoma of colon (CRC). Also called: Colon carcinoma; Colonic carcinoma. Identifiers: MedGen C0699790, MONDO:0002032.

Submission:

Colorectal Cancer Research Lab, Singapore General Hospital
Classification: association for Colorectal cancer. Review status: no assertion criteria provided. Collection method: case-control. Allele origin: germline. Inheritance: Sporadic. Affected: yes.
Comment: Both copy number gain and loss in cases and rarely in controls.

chr10:108525702..109883836 complex variant

Variant type: Complex.
Identifiers: ClinVar variation 254168 (VCV000254168.1).